The following is an entry in ClinVar:

NM_000052.7(ATP7A):c.3980A>G (p.Glu1327Gly)

Gene: ATP7A (ATPase copper transporting alpha; plus strand). Cytogenetic location: Xq21.1.
Variant type: single nucleotide variant.
Coding change: c.3980A>G on transcript NM_000052.7 (MANE Select); coding-DNA position 3980, A replaced by G.
Protein change: p.Glu1327Gly; replaces glutamic acid 1327 with glycine.
Molecular consequence: missense variant. On other transcripts: non-coding transcript variant (1).
Genome position (GRCh38, 1-based): chrX:78,042,763, A>G. VCF-style: chrX-78042763-A-G. GRCh37 (hg19) VCF-style: chrX-77298261-A-G.
Other names: c.3746A>G, p.Glu1249Gly (NM_001282224.2); short protein forms E1249G, E1327G.
Identifiers: ClinVar variation 1328557 (VCV001328557.4), dbSNP rs2149111854, ClinGen allele CA413605389.

ClinVar aggregate classification (germline): Uncertain significance (1 of 4 stars; one submission).

Conditions:
Menkes kinky-hair syndrome (MNK). Also called: Copper transport disease; Classic Menkes Disease; Menkes Disease. Identifiers: Orphanet 565, MedGen C0022716, MONDO:0010651, OMIM 309400.

Submission:

Illumina Laboratory Services, Illumina
Classification: Uncertain significance for Menkes kinky-hair syndrome. Last evaluated: 2021-06-11. Review status: criteria provided, single submitter. Criteria: ICSLVariantClassificationCriteria RUGD 01 April 2020. Collection method: clinical testing. Allele origin: unknown.
Comment: The ATP7A c.3980A>G (p.Glu1327Gly) variant is a missense variant. A literature search was performed for the gene, cDNA change, and amino acid change. No publications were found based on this search. This variant is not found in version 2.1.1 or version 3.1.1 of the Genome Aggregation Database despite its location in a region of good sequencing coverage, which suggests the variant is rare. In silico tools predict a damaging effect of the variant on the protein, though this has not been experimentally confirmed. Based on the available evidence, the p.Glu1327Gly variant is classified as a variant of uncertain significance for Menkes disease.